The following is an entry in ClinVar:

ClinVar aggregate classification (germline): Uncertain significance (1 of 4 stars; one submission).

Allele frequency attached by ClinVar (database versions not stated): TOPMed below 0.00001; gnomAD 0.00001.
gnomAD v4.1: 2 of 1,612,462 alleles (0.00012%); highest among the groups gnomAD compares: Non-Finnish European, 0.00017%; no homozygotes.

Submission:

GeneDx
Classification: Uncertain significance. Last evaluated: 2022-11-01. Review status: criteria provided, single submitter. Criteria: GeneDx Variant Classification Process June 2021. Collection method: clinical testing. Allele origin: germline. Affected: yes.
Comment: Not observed at significant frequency in large population cohorts (gnomAD); In silico analysis supports that this missense variant has a deleterious effect on protein structure/function; Has not been previously published as pathogenic or benign to our knowledge

NM_021098.3(CACNA1H):c.2474T>G (p.Leu825Arg)

Gene: CACNA1H (calcium voltage-gated channel subunit alpha1 H; plus strand). Cytogenetic location: 16p13.3.
Variant type: single nucleotide variant.
Coding change: c.2474T>G on transcript NM_021098.3 (MANE Select); coding-DNA position 2474, T replaced by G.
Protein change: p.Leu825Arg; replaces leucine 825 with arginine.
Molecular consequence: missense variant.
Genome position (GRCh38, 1-based): chr16:1,205,136, T>G. VCF-style: chr16-1205136-T-G. GRCh37 (hg19) VCF-style: chr16-1255136-T-G.
Other names: c.2474T>G, p.Leu825Arg (NM_001005407.2); short protein forms L825R.
Identifiers: ClinVar variation 2500459 (VCV002500459.1), dbSNP rs1196659972, ClinGen allele CA394167311.
Genomic context (GRCh38, chr16:1,205,136, plus strand): 5'-GGTGCGGCCTCCTGAACTGTCCCCACCTCTGCCTGCAGCCCGAGGAGCTGACTAATGCTC[T>G]GGAGATCAGCAACATCGTGTTCACCAGCATGTTTGCCCTGGAGATGCTGCTGAAGCTGCT-3'
Protein context (NP_066921.2, residues 815-835): HEQPEELTNA[Leu825Arg]EISNIVFTSM